The following is an entry in ClinVar:

NM_007198.4(PLPBP):c.24G>C (p.Ser8=)

Genes: PLPBP (pyridoxal phosphate binding protein; plus strand), LOC113788277 (Sharpr-MPRA regulatory region 13802; plus strand). Cytogenetic location: 8p11.23.
Variant type: single nucleotide variant.
Coding change: c.24G>C on transcript NM_007198.4 (MANE Select); coding-DNA position 24, G replaced by C.
Protein change: p.Ser8=; no amino-acid change (serine 8 retained).
Molecular consequence: synonymous variant. On other transcripts: 5 prime UTR variant (1).
Genome position (GRCh38, 1-based): chr8:37,762,683, G>C. VCF-style: chr8-37762683-G-C. GRCh37 (hg19) VCF-style: chr8-37620201-G-C.
Other names: c.24G>C, p.Ser8= (NM_001349346.2, NM_001349347.2); c.-75G>C (NM_001349348.2); c.129G>C, p.Ser43= (NM_001349349.1).
Identifiers: ClinVar variation 4534987 (VCV004534987.6).
Genomic context (GRCh38, chr8:37,762,683, plus strand): 5'-TGCCGGGGGCCTGGGGCTCGGCGTCGGTCCCCGGGGGATGTGGAGAGCTGGCAGCATGTC[G>C]GCCGAGCTGGGAGTCGGGTGCGCATTGCGGGCGGTGAACGAGCGCGTGCAGCAGGCTGTG-3'
Protein context (NP_009129.1, residues 1-18): MWRAGSM[Ser8=]AELGVGCALR

ClinVar aggregate classification (germline): Likely benign (1 of 4 stars; one submission).

Submission:

CeGaT Center for Human Genetics Tuebingen
Classification: Likely benign. Last evaluated: 2025-10-01. Review status: criteria provided, single submitter. Criteria: CeGaT Center For Human Genetics Tuebingen Variant Classification Criteria Version 2. Collection method: clinical testing. Allele origin: germline. Affected: yes. Observed: 1 variant allele.
Comment: PLPBP: PM2:Supporting, BP4, BP7